The following is an entry in ClinVar:

ClinVar aggregate classification (germline): Uncertain significance (0 of 4 stars; one submission).

Conditions:
MRAP2-related disorder. Also called: MRAP2-related condition.

gnomAD v4.1: 1 of 1,614,190 alleles (0.000062%); no homozygotes.

Submission:

PreventionGenetics, part of Exact Sciences
Classification: Uncertain significance for MRAP2-related condition. Last evaluated: 2024-03-12. Review status: no assertion criteria provided. Collection method: clinical testing. Allele origin: germline.
Comment: The MRAP2 c.209C>G variant is predicted to result in the amino acid substitution p.Thr70Arg. To our knowledge, this variant has not been reported in the literature or in a large population database, indicating this variant is rare. At this time, the clinical significance of this variant is uncertain due to the absence of conclusive functional and genetic evidence.

NM_138409.4(MRAP2):c.209C>G (p.Thr70Arg)

Gene: MRAP2 (melanocortin 2 receptor accessory protein 2; plus strand). Cytogenetic location: 6q14.2.
Variant type: single nucleotide variant.
Coding change: c.209C>G on transcript NM_138409.4 (MANE Select); coding-DNA position 209, C replaced by G.
Protein change: p.Thr70Arg; replaces threonine 70 with arginine.
Molecular consequence: missense variant. On other transcripts: 5 prime UTR variant (1), intron variant (1).
Genome position (GRCh38, 1-based): chr6:84,062,974, C>G. VCF-style: chr6-84062974-C-G. GRCh37 (hg19) VCF-style: chr6-84772693-C-G.
Other names: c.209C>G, p.Thr70Arg (NM_001346542.2, NM_001346544.2); c.-51C>G (NM_001346543.2); c.-32+7529C>G (NM_001346541.2); short protein forms T70R.
Identifiers: ClinVar variation 3349272 (VCV003349272.1).
Genomic context (GRCh38, chr6:84,062,974, plus strand): 5'-GGGTTGGTCTTGCAGTCTTCGTGATTTTTATGTTTTTTGTGCTGACCTTGCTGACCAAGA[C>G]AGGAGCCCCACACCAAGAGTAAGTTTGGGCTGTTCCTAAATGTCTCTTAAGCCTCACAGG-3'
Protein context (NP_612418.2, residues 60-80): MFFVLTLLTK[Thr70Arg]GAPHQDNAES